The following is an entry in ClinVar:

NM_000043.6(FAS):c.820A>G (p.Lys274Glu)

Gene: FAS (Fas cell surface death receptor; plus strand). Cytogenetic location: 10q23.31.
Variant type: single nucleotide variant.
Coding change: c.820A>G on transcript NM_000043.6 (MANE Select); coding-DNA position 820, A replaced by G.
Protein change: p.Lys274Glu; replaces lysine 274 with glutamic acid.
Molecular consequence: missense variant. On other transcripts: 3 prime UTR variant (2), non-coding transcript variant (7).
Genome position (GRCh38, 1-based): chr10:89,014,262, A>G. VCF-style: chr10-89014262-A-G. GRCh37 (hg19) VCF-style: chr10-90774019-A-G.
Other names: c.*143A>G (NM_001320619.2); c.865A>G, p.Lys289Glu (NM_001410956.1); c.757A>G, p.Lys253Glu (NM_152871.4); c.*132A>G (NM_152872.4); short protein forms K274E, K253E, K289E.
Identifiers: ClinVar variation 2764356 (VCV002764356.4), dbSNP rs2495226644, ClinGen allele CA377509886.
Genomic context (GRCh38, chr10:89,014,262, plus strand): 5'-GTCAATGAAGCCAAAATAGATGAGATCAAGAATGACAATGTCCAAGACACAGCAGAACAG[A>G]AAGTTCAACTGCTTCGTAATTGGCATCAACTTCATGGAAAGAAAGAAGCGTATGACACAT-3'
Protein context (NP_000034.1, residues 264-284): NDNVQDTAEQ[Lys274Glu]VQLLRNWHQL

ClinVar aggregate classification (germline): Uncertain significance. Review status: criteria provided, multiple submitters, no conflicts (2 of 4 stars). 2 submissions from 2 submitters: Uncertain significance (2). Last evaluated 2025-06-29.

Conditions:
Autoimmune lymphoproliferative syndrome type 1. Also called: AUTOIMMUNE LYMPHOPROLIFERATIVE SYNDROME, TYPE I, AUTOSOMAL DOMINANT. Identifiers: Orphanet 3261, MedGen C2717884, MONDO:0011158, OMIM 601859.

Submissions (2):

Labcorp Genetics (formerly Invitae), Labcorp
Classification: Uncertain significance for Autoimmune lymphoproliferative syndrome. Last evaluated: 2025-06-29. Review status: criteria provided, single submitter. Criteria: Invitae Variant Classification Sherloc (09022015). Collection method: clinical testing. Allele origin: germline.
Comment: This sequence change replaces lysine, which is basic and polar, with glutamic acid, which is acidic and polar, at codon 274 of the FAS protein (p.Lys274Glu). This variant is not present in population databases (gnomAD no frequency). This variant has not been reported in the literature in individuals affected with FAS-related conditions. ClinVar contains an entry for this variant (Variation ID: 2764356). Invitae Evidence Modeling of protein sequence and biophysical properties (such as structural, functional, and spatial information, amino acid conservation, physicochemical variation, residue mobility, and thermodynamic stability) indicates that this missense variant is expected to disrupt FAS protein function with a positive predictive value of 95%. In summary, the available evidence is currently insufficient to determine the role of this variant in disease. Therefore, it has been classified as a Variant of Uncertain Significance.

GeneDx
Classification: Uncertain significance. Last evaluated: 2024-11-22. Review status: criteria provided, single submitter. Criteria: GeneDx Variant Classification Process June 2021. Collection method: clinical testing. Allele origin: germline. Affected: yes.
Comment: Not observed at significant frequency in large population cohorts (gnomAD); In silico analysis supports that this missense variant has a deleterious effect on protein structure/function; Has not been previously published as pathogenic or benign to our knowledge